The following is an entry in ClinVar:

NM_001041.4(SI):c.4037C>T (p.Thr1346Ile)

Gene: SI (sucrase-isomaltase; minus strand). Cytogenetic location: 3q26.1.
Variant type: single nucleotide variant.
Coding change: c.4037C>T on transcript NM_001041.4 (MANE Select); coding-DNA position 4037, C replaced by T.
Protein change: p.Thr1346Ile; replaces threonine 1346 with isoleucine.
Molecular consequence: missense variant.
Genome position (GRCh38, 1-based): chr3:165,013,005, G>A on the plus strand (C>T on the coding strand, the complement: SI is on the minus strand). VCF-style: chr3-165013005-G-A. GRCh37 (hg19) VCF-style: chr3-164730793-G-A.
Other names: short protein forms T1346I.
Identifiers: ClinVar variation 1440601 (VCV001440601.4), dbSNP rs750118266, ClinGen allele CA2690048.

ClinVar aggregate classification (germline): Uncertain significance (1 of 4 stars; one submission).

Allele frequency attached by ClinVar (database versions not stated): ExAC 0.00001; gnomAD 0.00001; gnomAD exomes 0.00001 and 0.00002; TOPMed 0.00001.
gnomAD v4.1: 11 of 1,610,004 alleles (0.00068%); highest among the groups gnomAD compares: Non-Finnish European, 0.00093%; no homozygotes.

Submission:

Labcorp Genetics (formerly Invitae), Labcorp
Classification: Uncertain significance. Last evaluated: 2022-06-19. Review status: criteria provided, single submitter. Criteria: Invitae Variant Classification Sherloc (09022015). Collection method: clinical testing. Allele origin: germline.
Comment: In summary, the available evidence is currently insufficient to determine the role of this variant in disease. Therefore, it has been classified as a Variant of Uncertain Significance. Advanced modeling of protein sequence and biophysical properties (such as structural, functional, and spatial information, amino acid conservation, physicochemical variation, residue mobility, and thermodynamic stability) performed at Invitae indicates that this missense variant is not expected to disrupt SI protein function. This variant has not been reported in the literature in individuals affected with SI-related conditions. This variant is present in population databases (rs750118266, gnomAD 0.003%). This sequence change replaces threonine, which is neutral and polar, with isoleucine, which is neutral and non-polar, at codon 1346 of the SI protein (p.Thr1346Ile).